The following is an entry in ClinVar:

NM_003680.4(YARS1):c.88A>T (p.Ile30Leu)

Gene: YARS1 (tyrosyl-tRNA synthetase 1; minus strand). Cytogenetic location: 1p35.1.
Variant type: single nucleotide variant.
Coding change: c.88A>T on transcript NM_003680.4 (MANE Select); coding-DNA position 88, A replaced by T.
Protein change: p.Ile30Leu; replaces isoleucine 30 with leucine.
Molecular consequence: missense variant.
Genome position (GRCh38, 1-based): chr1:32,811,027, T>A on the plus strand (A>T on the coding strand, the complement: YARS1 is on the minus strand). VCF-style: chr1-32811027-T-A. GRCh37 (hg19) VCF-style: chr1-33276628-T-A.
Other names: short protein forms I30L.
Identifiers: ClinVar variation 2701713 (VCV002701713.3), dbSNP rs748003708, ClinGen allele CA339688052.
Genomic context (GRCh38, chr1:32,811,027, plus strand): 5'-CATGTGGTTTGCCCGTGGTTGCCGTTCCCCAGTAAATTTTAAGTTCCCGCTCCTTCAGTA[T>A]CTCCTTCAGCTTCTCTTCCCCCAGAACCTCCTATTGTGGAAGCAGAAGAGTTAGTTTAAT-3'
Protein context (NP_003671.1, residues 20-40): EVLGEEKLKE[Ile30Leu]LKERELKIYW

ClinVar aggregate classification (germline): Uncertain significance (1 of 4 stars; one submission).

Conditions:
Charcot-Marie-Tooth disease dominant intermediate C (CMTDIC). Also called: CHARCOT-MARIE-TOOTH NEUROPATHY, DOMINANT INTERMEDIATE C. Identifiers: Orphanet 100045, MedGen C1842237, MONDO:0012012, OMIM 608323.

Submission:

Labcorp Genetics (formerly Invitae), Labcorp
Classification: Uncertain significance for Charcot-Marie-Tooth disease dominant intermediate C. Last evaluated: 2023-06-09. Review status: criteria provided, single submitter. Criteria: Invitae Variant Classification Sherloc (09022015). Collection method: clinical testing. Allele origin: germline.
Comment: Advanced modeling of protein sequence and biophysical properties (such as structural, functional, and spatial information, amino acid conservation, physicochemical variation, residue mobility, and thermodynamic stability) performed at Invitae indicates that this missense variant is not expected to disrupt YARS protein function. In summary, the available evidence is currently insufficient to determine the role of this variant in disease. Therefore, it has been classified as a Variant of Uncertain Significance. This variant has not been reported in the literature in individuals affected with YARS-related conditions. This variant is not present in population databases (gnomAD no frequency). This sequence change replaces isoleucine, which is neutral and non-polar, with leucine, which is neutral and non-polar, at codon 30 of the YARS protein (p.Ile30Leu).